The following is an entry in ClinVar:

NM_001353108.3(CEP63):c.2054T>C (p.Ile685Thr)

Gene: CEP63 (centrosomal protein 63; plus strand). Cytogenetic location: 3q22.2.
Variant type: single nucleotide variant.
Coding change: c.2054T>C on transcript NM_001353108.3 (MANE Select); coding-DNA position 2054, T replaced by C.
Protein change: p.Ile685Thr; replaces isoleucine 685 with threonine.
Molecular consequence: missense variant. On other transcripts: non-coding transcript variant (4), intron variant (5).
Genome position (GRCh38, 1-based): chr3:134,561,477, T>C. VCF-style: chr3-134561477-T-C. GRCh37 (hg19) VCF-style: chr3-134280319-T-C.
Other names: c.1430T>C, p.Ile477Thr (NM_001042383.2, NM_001353119.2, NM_001353120.2 and 2 more transcripts); c.1568T>C, p.Ile523Thr (NM_001042400.3, NM_001353110.1, NM_001353111.2 and 1 more transcripts); c.1916T>C, p.Ile639Thr (NM_001353109.1); c.1457T>C, p.Ile486Thr (NM_001353118.1); c.1346T>C, p.Ile449Thr (NM_001353125.2); c.1067T>C, p.Ile356Thr (NM_001353126.2); c.2054T>C, p.Ile685Thr (NM_025180.5); c.1467+9465T>C (NM_001353113.1, NM_001353117.2); and 1 more; short protein forms I523T, I477T, I486T, I639T, I356T, I685T, I449T.
Identifiers: ClinVar variation 2015171 (VCV002015171.2), dbSNP rs774190027, ClinGen allele CA2628862.
Genomic context (GRCh38, chr3:134,561,477, plus strand): 5'-GATTTTTGGAAGAGGAGGAACTGAGGTCTCATCACATTCTAGAGCGCTTGGATGCCCATA[T>C]TGAAGAACTAAAAAGAGAGAGTGAAAAGACAGTGAGACAATTCACAGCCTTAAAGTAGCC-3'
Protein context (NP_001340037.1, residues 675-695): HHILERLDAH[Ile685Thr]EELKRESEKT

ClinVar aggregate classification (germline): Uncertain significance (1 of 4 stars; one submission).

Allele frequency attached by ClinVar (database versions not stated): ExAC 0.00001; gnomAD exomes 0.00001; TOPMed 0.00002; gnomAD 0.00003.
gnomAD v4.1: 11 of 1,613,882 alleles (0.00068%); highest among the groups gnomAD compares: African/African-American, 0.0027%; no homozygotes.

Submission:

Labcorp Genetics (formerly Invitae), Labcorp
Classification: Uncertain significance. Last evaluated: 2023-11-28. Review status: criteria provided, single submitter. Criteria: Invitae Variant Classification Sherloc (09022015). Collection method: clinical testing. Allele origin: germline.
Comment: This sequence change replaces isoleucine, which is neutral and non-polar, with threonine, which is neutral and polar, at codon 685 of the CEP63 protein (p.Ile685Thr). This variant is present in population databases (rs774190027, gnomAD 0.007%). This variant has not been reported in the literature in individuals affected with CEP63-related conditions. ClinVar contains an entry for this variant (Variation ID: 2015171). Advanced modeling of protein sequence and biophysical properties (such as structural, functional, and spatial information, amino acid conservation, physicochemical variation, residue mobility, and thermodynamic stability) has been performed at Invitae for this missense variant, however the output from this modeling did not meet the statistical confidence thresholds required to predict the impact of this variant on CEP63 protein function. In summary, the available evidence is currently insufficient to determine the role of this variant in disease. Therefore, it has been classified as a Variant of Uncertain Significance.